The following is an entry in ClinVar:

ClinVar aggregate classification (germline): Uncertain significance (1 of 4 stars; one submission).

Conditions:
COCH-related disorder. Also called: COCH-related condition.

Allele frequency attached by ClinVar (database versions not stated): gnomAD exomes 0.00001.
gnomAD v4.1: 5 of 1,614,232 alleles (0.00031%); highest among the groups gnomAD compares: Non-Finnish European, 0.00042%; no homozygotes.

Submission:

PreventionGenetics, part of Exact Sciences
Classification: Uncertain significance for COCH-related condition. Last evaluated: 2023-06-29. Review status: criteria provided, single submitter. Criteria: ACMG Guidelines, 2015. Collection method: clinical testing. Allele origin: germline.
Comment: The COCH c.130G>C variant is predicted to result in the amino acid substitution p.Glu44Gln. To our knowledge, this variant has not been reported in the literature or in a large population database, indicating this variant is rare. At this time, the clinical significance of this variant is uncertain due to the absence of conclusive functional and genetic evidence.

NM_004086.3(COCH):c.130G>C (p.Glu44Gln)

Genes: COCH (cochlin; plus strand), LOC100506071 (uncharacterized LOC100506071; minus strand). Cytogenetic location: 14q12.
Variant type: single nucleotide variant.
Coding change: c.130G>C on transcript NM_004086.3 (MANE Select); coding-DNA position 130, G replaced by C.
Protein change: p.Glu44Gln; replaces glutamic acid 44 with glutamine.
Molecular consequence: missense variant.
Genome position (GRCh38, 1-based): chr14:30,877,619, G>C. VCF-style: chr14-30877619-G-C. GRCh37 (hg19) VCF-style: chr14-31346825-G-C.
Other names: c.130G>C, p.Glu44Gln (NM_001135058.2); c.325G>C, p.Glu109Gln (NM_001347720.2); short protein forms E109Q, E44Q.
Identifiers: ClinVar variation 2631556 (VCV002631556.1), dbSNP rs2502708823, ClinGen allele CA389344019.